The following is an entry in ClinVar:

NM_020686.6(ABAT):c.1417C>T (p.Arg473Cys)

Gene: ABAT (4-aminobutyrate aminotransferase; plus strand). Cytogenetic location: 16p13.2.
Variant type: single nucleotide variant.
Coding change: c.1417C>T on transcript NM_020686.6 (MANE Select); coding-DNA position 1417, C replaced by T.
Protein change: p.Arg473Cys; replaces arginine 473 with cysteine.
Molecular consequence: missense variant. On other transcripts: synonymous variant (2).
Genome position (GRCh38, 1-based): chr16:8,781,344, C>T. VCF-style: chr16-8781344-C-T. GRCh37 (hg19) VCF-style: chr16-8875201-C-T.
Other names: c.1417C>T, p.Arg473Cys (NM_000663.5, NM_001127448.2, NM_001386600.1 and 4 more transcripts); c.1378C>T, p.Arg460Cys (NM_001386605.1); c.1354C>T, p.Arg452Cys (NM_001386606.1, NM_001386607.1); c.1324C>T, p.Arg442Cys (NM_001386608.1); c.1305C>T, p.Phe435= (NM_001386609.1); c.1282C>T, p.Arg428Cys (NM_001386610.1, NM_001386611.1); c.1219C>T, p.Arg407Cys (NM_001386612.1, NM_001386613.1); c.1171C>T, p.Arg391Cys (NM_001386614.1); and 2 more; short protein forms R391C, R407C, R428C, R442C, R452C, R460C, R473C, R505C.
Identifiers: ClinVar variation 2579783 (VCV002579783.2), dbSNP rs748530728, ClinGen allele CA394691527.

ClinVar aggregate classification (germline): Uncertain significance. Review status: criteria provided, multiple submitters, no conflicts (2 of 4 stars). 2 submissions from 2 submitters: Uncertain significance (2). Last evaluated 2025-06-30.

Allele frequency attached by ClinVar (database versions not stated): gnomAD 0.00001; TOPMed 0.00002.
gnomAD v4.1: 3 of 1,614,038 alleles (0.00019%); highest among the groups gnomAD compares: Non-Finnish European, 0.00025%; no homozygotes.

Submissions (2):

GeneDx
Classification: Uncertain significance. Last evaluated: 2025-06-30. Review status: criteria provided, single submitter. Criteria: GeneDx Variant Classification Process June 2021. Collection method: clinical testing. Allele origin: germline.
Comment: Not observed at significant frequency in large population cohorts (gnomAD); In silico analysis supports that this missense variant has a deleterious effect on protein structure/function; This variant is associated with the following publications: (PMID: 37645600)

Blueprint Genetics
Classification: Uncertain significance. Last evaluated: 2024-07-30. Review status: criteria provided, single submitter. Criteria: ACMG Guidelines, 2015. Collection method: clinical testing. Allele origin: germline.